The following is an entry in ClinVar:

NM_000064.4(C3):c.1269+4C>A

Gene: C3 (complement C3; minus strand). Cytogenetic location: 19p13.3.
Variant type: single nucleotide variant.
Coding change: c.1269+4C>A on transcript NM_000064.4 (MANE Select); 4 bases into the intron after coding-DNA position 1269, C replaced by A.
Molecular consequence: intron variant.
Genome position (GRCh38, 1-based): chr19:6,712,253, G>T on the plus strand (C>A on the coding strand, the complement: C3 is on the minus strand). VCF-style: chr19-6712253-G-T. GRCh37 (hg19) VCF-style: chr19-6712264-G-T.
Identifiers: ClinVar variation 1712455 (VCV001712455.6), dbSNP rs545213448, ClinGen allele CA9129520.
Genomic context (GRCh38, chr19:6,712,253, plus strand): 5'-CAAACACCAGAACCCCTGTACCGTCTTCCCAGTGATGGGGTTCCGAGGCTGGGCCCAGAC[G>T]CACCGTGATGCTCAAGGGCTTCTGGCTGGGGTGTGTGTTGATGCTGAGTTTGGCCACGCC-3'

ClinVar aggregate classification (germline): Uncertain significance. Review status: criteria provided, multiple submitters, no conflicts (2 of 4 stars). 3 submissions from 3 submitters: Uncertain significance (3). Last evaluated 2024-03-01.

Conditions:
Atypical hemolytic-uremic syndrome. Identifiers: Orphanet 2134, MedGen C2931788, MONDO:0016244.

Allele frequency attached by ClinVar (database versions not stated): gnomAD 0.00001; TOPMed 0.00002; ExAC 0.00004; 1000 Genomes Project 0.00020; 1000 Genomes Project 30x 0.00031.

Submissions (3):

Labcorp Genetics (formerly Invitae), Labcorp
Classification: Uncertain significance. Last evaluated: 2024-03-01. Review status: criteria provided, single submitter. Criteria: Invitae Variant Classification Sherloc (09022015). Collection method: clinical testing. Allele origin: germline.
Comment: This sequence change falls in intron 11 of the C3 gene. It does not directly change the encoded amino acid sequence of the C3 protein. It affects a nucleotide within the consensus splice site. This variant is present in population databases (rs545213448, gnomAD 0.01%). This variant has not been reported in the literature in individuals affected with C3-related conditions. ClinVar contains an entry for this variant (Variation ID: 1712455). Variants that disrupt the consensus splice site are a relatively common cause of aberrant splicing (PMID: 17576681, 9536098). Algorithms developed to predict the effect of sequence changes on RNA splicing suggest that this variant is not likely to affect RNA splicing. In summary, the available evidence is currently insufficient to determine the role of this variant in disease. Therefore, it has been classified as a Variant of Uncertain Significance.

Genome Diagnostics Laboratory, The Hospital for Sick Children
Classification: Uncertain significance for Atypical hemolytic-uremic syndrome. Last evaluated: 2020-04-01. Review status: criteria provided, single submitter. Criteria: ACMG Guidelines, 2015. Collection method: clinical testing. Allele origin: germline.

Blueprint Genetics
Classification: Uncertain significance. Last evaluated: 2018-01-13. Review status: criteria provided, single submitter. Criteria: ACMG Guidelines, 2015. Collection method: clinical testing. Allele origin: germline.

Literature cited by the submitters: PubMed 17576681 (cited by Labcorp Genetics (formerly Invitae), Labcorp); PubMed 9536098 (cited by Labcorp Genetics (formerly Invitae), Labcorp).